The following is an entry in ClinVar:

NM_020921.4(NIN):c.4924GAA[1] (p.Glu1643del)

Gene: NIN (ninein; minus strand). Cytogenetic location: 14q22.1.
Variant type: Microsatellite.
Coding change: c.4924GAA[1] on transcript NM_020921.4 (MANE Select); one copy of the 3-base unit GAA starting at c.4924; the reference has two copies in a row; one copy, 3 bases deleted.
Protein change: p.Glu1643del; deletes glutamic acid 1643.
Molecular consequence: inframe deletion.
Genome position (GRCh38, 1-based): chr14:50,752,539-50,752,541, TTC deleted on the plus strand (GAA on the coding strand, the reverse complement: NIN is on the minus strand); deleting any 3 consecutive bases within chr14:50,752,539-50,752,546 gives the same sequence; the position shown is the placement nearest the transcript's 3' end. VCF-style (leftmost placement, unchanged base first): chr14-50752538-GTTC-G. GRCh37 (hg19) VCF-style: chr14-51219256-GTTC-G.
Other names: c.2785GAA[1], p.Glu930del (NM_016350.5); c.4924GAA[1], p.Glu1643del (NM_182944.3, NM_182946.2); short protein forms E1643del, E930del.
Identifiers: ClinVar variation 1914530 (VCV001914530.5), dbSNP rs2505678174, ClinGen allele CA912979645.

ClinVar aggregate classification (germline): Uncertain significance (1 of 4 stars; one submission).

Submission:

Labcorp Genetics (formerly Invitae), Labcorp
Classification: Uncertain significance. Last evaluated: 2022-08-31. Review status: criteria provided, single submitter. Criteria: Invitae Variant Classification Sherloc (09022015). Collection method: clinical testing. Allele origin: germline.
Comment: In summary, the available evidence is currently insufficient to determine the role of this variant in disease. Therefore, it has been classified as a Variant of Uncertain Significance. This variant, c.4927_4929del, results in the deletion of 1 amino acid(s) of the NIN protein (p.Glu1643del), but otherwise preserves the integrity of the reading frame. This variant has not been reported in the literature in individuals affected with NIN-related conditions. This variant is not present in population databases (gnomAD no frequency). Experimental studies and prediction algorithms are not available or were not evaluated, and the functional significance of this variant is currently unknown.